The following is an entry in ClinVar:

ClinVar aggregate classification (germline): Uncertain significance (1 of 4 stars; one submission).

Conditions:
Hereditary cancer-predisposing syndrome. Also called: Neoplastic Syndromes, Hereditary; Tumor predisposition; Hereditary Cancer Syndrome; Hereditary neoplastic syndrome. Identifiers: Orphanet 140162, MedGen C0027672, MeSH D009386, MONDO:0015356.

Submission:

Ambry Genetics
Classification: Uncertain significance for Hereditary cancer-predisposing syndrome. Last evaluated: 2020-04-02. Review status: criteria provided, single submitter. Criteria: Ambry Variant Classification Scheme 2023. Collection method: clinical testing. Allele origin: germline.
Comment: The p.F579L variant (also known as c.1737T>A), located in coding exon 11 of the PMS2 gene, results from a T to A substitution at nucleotide position 1737. The phenylalanine at codon 579 is replaced by leucine, an amino acid with highly similar properties. This amino acid position is not well conserved in available vertebrate species. In addition, this alteration is predicted to be tolerated by in silico analysis. Since supporting evidence is limited at this time, the clinical significance of this alteration remains unclear.

NM_000535.7(PMS2):c.1737T>A (p.Phe579Leu)

Gene: PMS2 (PMS1 homolog 2, mismatch repair system component; minus strand). Cytogenetic location: 7p22.1.
Variant type: single nucleotide variant.
Coding change: c.1737T>A on transcript NM_000535.7 (MANE Select); coding-DNA position 1737, T replaced by A.
Protein change: p.Phe579Leu; replaces phenylalanine 579 with leucine.
Molecular consequence: missense variant. On other transcripts: non-coding transcript variant (1).
Genome position (GRCh38, 1-based): chr7:5,987,028, A>T on the plus strand (T>A on the coding strand, the complement: PMS2 is on the minus strand). VCF-style: chr7-5987028-A-T. GRCh37 (hg19) VCF-style: chr7-6026659-A-T.
Other names: c.1428T>A, p.Phe476Leu (NM_001406875.1, NM_001322015.2, NM_001406877.1 and 5 more transcripts); c.1737T>A, p.Phe579Leu (NM_001406871.1, NM_001406872.1, NM_001322014.2); c.1581T>A, p.Phe527Leu (NM_001406870.1, NM_001322006.2); c.1539T>A, p.Phe513Leu (NM_001406873.1); c.1569T>A, p.Phe523Leu (NM_001406874.1); c.1332T>A, p.Phe444Leu (NM_001018040.1, NM_001322003.2, NM_001322004.2 and 17 more transcripts); c.1419T>A, p.Phe473Leu (NM_001322007.2, NM_001322008.2, NM_001406876.1 and 2 more transcripts); c.1176T>A, p.Phe392Leu (NM_001322010.2, NM_001406906.1, NM_001406907.1); and 12 more; short protein forms F322L, F457L, F467L, F476L, F513L, F523L, F587L, F543L.
Identifiers: ClinVar variation 1779113 (VCV001779113.2), dbSNP rs750754115, ClinGen allele CA366740108.